The following is an entry in ClinVar:

ClinVar aggregate classification (germline): Uncertain significance (1 of 4 stars; one submission).

Conditions:
SETX-related disorder. Also called: SETX-related condition; SETX-related disorders. Identifiers: MedGen CN239403.

gnomAD v4.1: 1 of 1,614,052 alleles (0.000062%); highest among the groups gnomAD compares: Non-Finnish European, 0.000085%; no homozygotes.

Submission:

PreventionGenetics, part of Exact Sciences
Classification: Uncertain significance for SETX-related condition. Last evaluated: 2025-11-06. Review status: criteria provided, single submitter. Criteria: ACMG Guidelines, 2015. Collection method: clinical testing. Allele origin: germline.
Comment: The SETX c.3899C>T variant is predicted to result in the amino acid substitution p.Ser1300Phe. This variant has been reported in an individual with amyotrophic lateral sclerosis (ALS); however, evidence to support pathogenicity was not provided (Table S5-B, Ruf et al. 2023. PubMed ID: 37223130). This variant has not been reported in a large population database (gnomAD), indicating it is rare. At this time, the clinical significance of this variant is uncertain due to the absence of conclusive functional and genetic evidence.

NM_015046.7(SETX):c.3899C>T (p.Ser1300Phe)

Gene: SETX (senataxin; minus strand). Cytogenetic location: 9q34.13.
Variant type: single nucleotide variant.
Coding change: c.3899C>T on transcript NM_015046.7 (MANE Select); coding-DNA position 3899, C replaced by T.
Protein change: p.Ser1300Phe; replaces serine 1300 with phenylalanine.
Molecular consequence: missense variant.
Genome position (GRCh38, 1-based): chr9:132,327,699, G>A on the plus strand (C>T on the coding strand, the complement: SETX is on the minus strand). VCF-style: chr9-132327699-G-A. GRCh37 (hg19) VCF-style: chr9-135203086-G-A.
Other names: c.3899C>T, p.Ser1300Phe (NM_001351527.2, NM_001351528.2); short protein forms S1300F.
Identifiers: ClinVar variation 4987859 (VCV004987859.1).